The following is an entry in ClinVar:

NM_005097.4(LGI1):c.1433T>C (p.Val478Ala)

Gene: LGI1 (leucine rich glioma inactivated 1; plus strand). Cytogenetic location: 10q23.33.
Variant type: single nucleotide variant.
Coding change: c.1433T>C on transcript NM_005097.4 (MANE Select); coding-DNA position 1433, T replaced by C.
Protein change: p.Val478Ala; replaces valine 478 with alanine.
Molecular consequence: missense variant. On other transcripts: non-coding transcript variant (1), intron variant (1).
Genome position (GRCh38, 1-based): chr10:93,797,562, T>C. VCF-style: chr10-93797562-T-C. GRCh37 (hg19) VCF-style: chr10-95557319-T-C.
Other names: c.1289T>C, p.Val430Ala (NM_001308276.2); c.839-187T>C (NM_001308275.2); short protein forms V478A, V430A.
Identifiers: ClinVar variation 2811007 (VCV002811007.3), dbSNP rs2492919862, ClinGen allele CA377629624.

ClinVar aggregate classification (germline): Uncertain significance (1 of 4 stars; one submission).

Conditions:
Autosomal dominant epilepsy with auditory features. Identifiers: Orphanet 101046, MedGen C1838062, MONDO:0010898.

Submission:

Labcorp Genetics (formerly Invitae), Labcorp
Classification: Uncertain significance for Autosomal dominant epilepsy with auditory features. Last evaluated: 2022-10-31. Review status: criteria provided, single submitter. Criteria: Invitae Variant Classification Sherloc (09022015). Collection method: clinical testing. Allele origin: germline.
Comment: In summary, the available evidence is currently insufficient to determine the role of this variant in disease. Therefore, it has been classified as a Variant of Uncertain Significance. Advanced modeling of protein sequence and biophysical properties (such as structural, functional, and spatial information, amino acid conservation, physicochemical variation, residue mobility, and thermodynamic stability) performed at Invitae indicates that this missense variant is not expected to disrupt LGI1 protein function. This variant has not been reported in the literature in individuals affected with LGI1-related conditions. This variant is not present in population databases (gnomAD no frequency). This sequence change replaces valine, which is neutral and non-polar, with alanine, which is neutral and non-polar, at codon 478 of the LGI1 protein (p.Val478Ala).